The following is an entry in ClinVar:

ClinVar aggregate classification (germline): Uncertain significance (0 of 4 stars; one submission).

Conditions:
DNMT3A-related disorder. Also called: DNMT3A-related disorders; DNMT3A-related condition.

gnomAD v4.1: 2 of 1,614,008 alleles (0.00012%); highest among the groups gnomAD compares: Non-Finnish European, 0.00017%; no homozygotes.

Submission:

PreventionGenetics, part of Exact Sciences
Classification: Uncertain significance for DNMT3A-related condition. Last evaluated: 2024-04-06. Review status: no assertion criteria provided. Collection method: clinical testing. Allele origin: germline.
Comment: The DNMT3A c.1373G>A variant is predicted to result in the amino acid substitution p.Arg458Gln. To our knowledge, this variant has not been reported in the literature. This variant is reported in 0.00088% of alleles in individuals of European (Non-Finnish) descent in gnomAD. At this time, the clinical significance of this variant is uncertain due to the absence of conclusive functional and genetic evidence.

NM_022552.5(DNMT3A):c.1373G>A (p.Arg458Gln)

Gene: DNMT3A (DNA methyltransferase 3 alpha; minus strand). Cytogenetic location: 2p23.3.
Variant type: single nucleotide variant.
Coding change: c.1373G>A on transcript NM_022552.5 (MANE Select); coding-DNA position 1373, G replaced by A.
Protein change: p.Arg458Gln; replaces arginine 458 with glutamine.
Molecular consequence: missense variant. On other transcripts: non-coding transcript variant (1).
Genome position (GRCh38, 1-based): chr2:25,246,216, C>T on the plus strand (G>A on the coding strand, the complement: DNMT3A is on the minus strand). VCF-style: chr2-25246216-C-T. GRCh37 (hg19) VCF-style: chr2-25469085-C-T.
Other names: c.917G>A, p.Arg306Gln (NM_001320893.1); c.704G>A, p.Arg235Gln (NM_001375819.1); c.806G>A, p.Arg269Gln (NM_153759.3); c.1373G>A, p.Arg458Gln (NM_175629.2); short protein forms R235Q, R269Q, R306Q, R458Q.
Identifiers: ClinVar variation 3353448 (VCV003353448.1).